The following is an entry in ClinVar:

NM_206926.2(SELENON):c.1319_1320insC (p.Glu440fs)

Gene: SELENON (selenoprotein N; plus strand). Cytogenetic location: 1p36.11.
Variant type: Insertion.
Coding change: c.1319_1320insC on transcript NM_206926.2 (MANE Select); coding-DNA positions 1319 to 1320, C inserted.
Protein change: p.Glu440fs; shifts the reading frame from glutamic acid 440.
Molecular consequence: frameshift variant.
Genome position: GRCh38 VCF-style: chr1-25813914-A-AC. GRCh37 (hg19) VCF-style: chr1-26140405-A-AC.
Other names: c.1421_1422insC, p.Glu474fs (NM_020451.3); short protein forms E474fs, E440fs.
Identifiers: ClinVar variation 2100000 (VCV002100000.4), dbSNP rs2525004721, ClinGen allele CA2580062597.

ClinVar aggregate classification (germline): Uncertain significance (1 of 4 stars; one submission).

Conditions:
Eichsfeld type congenital muscular dystrophy (CMYO3). Also called: Rigid spine muscular dystrophy 1; MYOPATHY, SEPN1-RELATED; SELENON-related myopathy; Congenital myopathy 3 with rigid spine. Identifiers: MedGen C0410180, MONDO:0100100, OMIM 602771.

Submission:

Labcorp Genetics (formerly Invitae), Labcorp
Classification: Uncertain significance for Eichsfeld type congenital muscular dystrophy. Last evaluated: 2022-03-11. Review status: criteria provided, single submitter. Criteria: Invitae Variant Classification Sherloc (09022015). Collection method: clinical testing. Allele origin: germline.
Comment: This variant is not present in population databases (gnomAD no frequency). This sequence change creates a premature translational stop signal (p.Glu474Aspfs*93) in the SELENON gene. While this is not anticipated to result in nonsense mediated decay, it is expected to disrupt the last 118 amino acid(s) of the SELENON protein. In summary, the available evidence is currently insufficient to determine the role of this variant in disease. Therefore, it has been classified as a Variant of Uncertain Significance. Experimental studies and prediction algorithms are not available or were not evaluated, and the functional significance of this variant is currently unknown. This variant has not been reported in the literature in individuals affected with SELENON-related conditions.